The following is an entry in ClinVar:

NM_001161352.2(KCNMA1):c.3052G>A (p.Asp1018Asn)

Genes: KCNMA1-AS1 (KCNMA1 antisense RNA 1; plus strand), KCNMA1 (potassium calcium-activated channel subfamily M alpha 1; minus strand). Cytogenetic location: 10q22.3.
Variant type: single nucleotide variant.
Coding change: c.3052G>A on transcript NM_001161352.2 (MANE Select); coding-DNA position 3052, G replaced by A.
Protein change: p.Asp1018Asn; replaces aspartic acid 1018 with asparagine.
Molecular consequence: missense variant.
Genome position (GRCh38, 1-based): chr10:76,910,061, C>T on the plus strand (G>A on the coding strand, the complement: KCNMA1 is on the minus strand). VCF-style: chr10-76910061-C-T. GRCh37 (hg19) VCF-style: chr10-78669819-C-T.
Other names: c.2878G>A (NM_002247.3); c.2890G>A, p.Asp964Asn (NM_001014797.3); c.3001G>A, p.Asp1001Asn (NM_001161353.2); c.2728G>A, p.Asp910Asn (NM_001271518.2); c.2968G>A, p.Asp990Asn (NM_001271519.2); c.2887G>A, p.Asp963Asn (NM_001322829.2, NM_001322836.2); c.2980G>A, p.Asp994Asn (NM_001322830.2); c.2878G>A, p.Asp960Asn (NM_001322832.2, NM_001410940.1, NM_002247.4); and 2 more; short protein forms D1001N, D1018N, D809N, D910N, D960N, D963N, D964N, D990N.
Identifiers: ClinVar variation 3895535 (VCV003895535.5).

ClinVar aggregate classification (germline): Conflicting classifications of pathogenicity. Review status: criteria provided, conflicting classifications (1 of 4 stars). 3 submissions from 3 submitters: Likely pathogenic (2); Uncertain significance (1). Last evaluated 2026-10-06.

Conditions:
KCNMA1-related disorder. Also called: KCNMA1-related disorders; KCNMA1-related condition.

gnomAD v4.1: 1 of 1,614,022 alleles (0.000062%); highest among the groups gnomAD compares: Non-Finnish European, 0.000085%; no homozygotes.

Submissions (3):

GeneDx
Classification: Likely pathogenic. Last evaluated: 2026-10-06. Review status: criteria provided, single submitter. Criteria: GeneDx Variant Classification Process June 2021. Collection method: clinical testing. Allele origin: germline.
Comment: In silico analysis supports that this missense variant has a deleterious effect on protein structure/function; Not observed at significant frequency in large population cohorts (gnomAD); Has not been previously published in association with a KCNMA1-related disorder to our knowledge; This variant is associated with the following publications: (PMID: 29330545)

Molecular Genetics Laboratory, Motol Hospital
Classification: Likely pathogenic for KCNMA1-related disorder. Last evaluated: 2025-05-02. Review status: criteria provided, single submitter. Criteria: ACMG Guidelines, 2015. Collection method: clinical testing. Allele origin: de novo. Affected: yes. Observed: 1 variant allele.
Comment: Present in gnomAD (v4.1.0) with a frequency of 8.475-e7 in non-Finnish European population (PM2). Rare missense variants affecting the KCNMA1 gene are documented as a molecular cause of a spectrum of KCNMA1-related neurodevelopmental disorders (PMID:34499417;31152168;35156297;37906945).To conclude, the variant is classified as likely pathogenic (ACMG PM2, PS2, PP2).

Blueprint Genetics
Classification: Uncertain significance. Last evaluated: 2022-08-09. Review status: criteria provided, single submitter. Criteria: ACMG Guidelines, 2015. Collection method: clinical testing. Allele origin: germline.

Literature cited by the submitters: PubMed 34499417 (cited by Molecular Genetics Laboratory, Motol Hospital); PubMed 31152168 (cited by Molecular Genetics Laboratory, Motol Hospital); PubMed 35156297 (cited by Molecular Genetics Laboratory, Motol Hospital); PubMed 37906945 (cited by Molecular Genetics Laboratory, Motol Hospital).